The following is an entry in ClinVar:

ClinVar aggregate classification (germline): Pathogenic (1 of 4 stars; one submission).

Conditions:
RPE65-related recessive retinopathy. Also called: Recessive RPE65 retinopathy. Identifiers: MedGen CN305526, MONDO:0100368.

Submission:

Myriad Genetics, Inc.
Classification: Pathogenic for RPE65-related recessive retinopathy. Last evaluated: 2024-05-14. Review status: criteria provided, single submitter. Criteria: Myriad Autosomal Dominant, Autosomal Recessive and X-Linked Classification Criteria (2023). Collection method: clinical testing. Allele origin: unknown.
Comment: NM_000329.2(RPE65):c.484_486del3ins10(T162Sfs*5) is expected to be pathogenic in the context of inherited retinal dystrophy, RPE65-related. This variant is predicted to lead to an abnormal or absent protein product due to the creation of a premature termination codon in RPE65, a gene where loss-of-function variants are known to be pathogenic. Please note: this variant was assessed in the context of healthy population screening.

NM_000329.3(RPE65):c.484_486delinsTCAGGACTTG (p.Thr162fs)

Gene: RPE65 (retinoid isomerohydrolase RPE65; minus strand). Cytogenetic location: 1p31.3.
Variant type: Indel.
Coding change: c.484_486delinsTCAGGACTTG on transcript NM_000329.3 (MANE Select); coding-DNA positions 484 to 486, ACA replaced by TCAGGACTTG.
Protein change: p.Thr162fs; shifts the reading frame from threonine 162.
Molecular consequence: frameshift variant.
Genome position (GRCh38, 1-based): chr1:68,444,540-68,444,542, TGT replaced by CAAGTCCTGA on the plus strand (ACA replaced by TCAGGACTTG on the coding strand, the reverse complement: RPE65 is on the minus strand). VCF-style: chr1-68444540-TGT-CAAGTCCTGA. GRCh37 (hg19) VCF-style: chr1-68910223-TGT-CAAGTCCTGA.
Other names: c.376_378delinsTCAGGACTTG, p.Thr126fs (NM_001406853.1); c.208_210delinsTCAGGACTTG, p.Thr70fs (NM_001406856.1, NM_001406857.1); c.484_486delinsTCAGGACTTG, p.Thr162fs (NM_001406859.1, NM_001406860.1); short protein forms T126fs, T162fs, T70fs.
Identifiers: ClinVar variation 5010723 (VCV005010723.1).